The following is an entry in ClinVar:

NM_000052.7(ATP7A):c.1627G>A (p.Ala543Thr)

Gene: ATP7A (ATPase copper transporting alpha; plus strand). Cytogenetic location: Xq21.1.
Variant type: single nucleotide variant.
Coding change: c.1627G>A on transcript NM_000052.7 (MANE Select); coding-DNA position 1627, G replaced by A.
Protein change: p.Ala543Thr; replaces alanine 543 with threonine.
Molecular consequence: missense variant.
Genome position (GRCh38, 1-based): chrX:78,003,156, G>A. VCF-style: chrX-78003156-G-A. GRCh37 (hg19) VCF-style: chrX-77258653-G-A.
Other names: c.1627G>A, p.Ala543Thr (NM_001282224.2); short protein forms A543T.
Identifiers: ClinVar variation 4789440 (VCV004789440.1).

ClinVar aggregate classification (germline): Uncertain significance (1 of 4 stars; one submission).

Conditions:
Menkes kinky-hair syndrome (MNK). Also called: Menkes Disease; Copper transport disease; Classic Menkes Disease. Identifiers: Orphanet 565, MedGen C0022716, MONDO:0010651, OMIM 309400.
Cutis laxa, X-linked (OHS). Also called: EDS IX; Occipital horn syndrome. Identifiers: Orphanet 198, MedGen C0268353, MONDO:0010572, OMIM 304150.
X-linked distal spinal muscular atrophy type 3. Also called: ATP7A-Related Distal Motor Neuropathy; SPINAL MUSCULAR ATROPHY, DISTAL, X-LINKED RECESSIVE; NEURONOPATHY, DISTAL HEREDITARY MOTOR, X-LINKED; NEUROPATHY, DISTAL HEREDITARY MOTOR, X-LINKED. Identifiers: Orphanet 139557, MedGen C1845359, MONDO:0010338, OMIM 300489.

Submission:

Labcorp Genetics (formerly Invitae), Labcorp
Classification: Uncertain significance for X-linked distal spinal muscular atrophy type 3; Cutis laxa, X-linked; Menkes kinky-hair syndrome. Last evaluated: 2025-02-26. Review status: criteria provided, single submitter. Criteria: Invitae Variant Classification Sherloc (09022015). Collection method: clinical testing. Allele origin: germline.
Comment: This sequence change replaces alanine, which is neutral and non-polar, with threonine, which is neutral and polar, at codon 543 of the ATP7A protein (p.Ala543Thr). This variant is not present in population databases (gnomAD no frequency). This variant has not been reported in the literature in individuals affected with ATP7A-related conditions. Invitae Evidence Modeling of protein sequence and biophysical properties (such as structural, functional, and spatial information, amino acid conservation, physicochemical variation, residue mobility, and thermodynamic stability) indicates that this missense variant is not expected to disrupt ATP7A protein function with a negative predictive value of 95%. In summary, the available evidence is currently insufficient to determine the role of this variant in disease. Therefore, it has been classified as a Variant of Uncertain Significance.